The following is an entry in ClinVar:

NM_000088.4(COL1A1):c.3505G>T (p.Gly1169Cys)

Gene: COL1A1 (collagen type I alpha 1 chain; minus strand). Cytogenetic location: 17q21.33.
Variant type: single nucleotide variant.
Coding change: c.3505G>T on transcript NM_000088.4 (MANE Select); coding-DNA position 3505, G replaced by T.
Protein change: p.Gly1169Cys; replaces glycine 1169 with cysteine.
Molecular consequence: missense variant.
Genome position (GRCh38, 1-based): chr17:50,187,041, C>A on the plus strand (G>T on the coding strand, the complement: COL1A1 is on the minus strand). VCF-style: chr17-50187041-C-A. GRCh37 (hg19) VCF-style: chr17-48264402-C-A.
Other names: short protein forms G1169C.
Identifiers: ClinVar variation 4710400 (VCV004710400.1).

ClinVar aggregate classification (germline): Pathogenic (1 of 4 stars; one submission).

Conditions:
Osteogenesis imperfecta type I (OI1). Also called: OI, TYPE I; OSTEOGENESIS IMPERFECTA TARDA; OSTEOGENESIS IMPERFECTA WITH BLUE SCLERAE; Osteogenesis imperfecta type 1; Classic Non-deforming Osteogenesis Imperfecta with Blue Sclerae; Lobstein's Disease. Identifiers: Orphanet 216796, Orphanet 666, MedGen C0023931, MONDO:0008146, OMIM 166200. Disease mechanism: loss of function.

Submission:

Labcorp Genetics (formerly Invitae), Labcorp
Classification: Pathogenic for Osteogenesis imperfecta type I. Last evaluated: 2025-09-10. Review status: criteria provided, single submitter. Criteria: Invitae Variant Classification Sherloc (09022015). Collection method: clinical testing. Allele origin: germline.
Comment: This sequence change replaces glycine, which is neutral and non-polar, with cysteine, which is neutral and slightly polar, at codon 1169 of the COL1A1 protein (p.Gly1169Cys). This variant is not present in population databases (gnomAD no frequency). This missense change has been observed in individual(s) with osteogenesis imperfecta (PMID: 17078022). Invitae Evidence Modeling of protein sequence and biophysical properties (such as structural, functional, and spatial information, amino acid conservation, physicochemical variation, residue mobility, and thermodynamic stability) indicates that this missense variant is expected to disrupt COL1A1 protein function with a positive predictive value of 95%. This variant disrupts the triple helix domain of COL1A1. Glycine residues within the Gly-Xaa-Yaa repeats of the triple helix domain are required for the structure and stability of fibrillar collagens (PMID: 7695699, 8218237, 19344236). In COL1A1, variants affecting these glycine residues are significantly enriched in individuals with disease (PMID: 9016532, 17078022) compared to the general population (ExAC). For these reasons, this variant has been classified as Pathogenic.

Literature cited by the submitters: PubMed 17078022; PubMed 7695699; PubMed 8218237; PubMed 19344236; PubMed 9016532.